The following is an entry in ClinVar:

ClinVar aggregate classification (germline): Uncertain significance. Review status: criteria provided, multiple submitters, no conflicts (2 of 4 stars). 2 submissions from 2 submitters: Uncertain significance (2). Last evaluated 2024-11-01.

Conditions:
Cardiovascular phenotype. Identifiers: MedGen CN230736.
Dilated cardiomyopathy 1DD (CMD1DD). Identifiers: Orphanet 154, MedGen C2750995, MONDO:0013168, OMIM 613172.

gnomAD v4.1: 6 of 1,551,590 alleles (0.00039%); highest among the groups gnomAD compares: Non-Finnish European, 0.00052%; no homozygotes.

Submissions (2):

Ambry Genetics
Classification: Uncertain significance for Cardiovascular phenotype. Last evaluated: 2024-11-01. Review status: criteria provided, single submitter. Criteria: Ambry Variant Classification Scheme 2023. Collection method: clinical testing. Allele origin: germline.
Comment: The p.E898D variant (also known as c.2694G>C), located in coding exon 11 of the RBM20 gene, results from a G to C substitution at nucleotide position 2694. The glutamic acid at codon 898 is replaced by aspartic acid, an amino acid with highly similar properties. This amino acid position is well conserved in available vertebrate species. In addition, this alteration is predicted to be tolerated by in silico analysis. Since supporting evidence is limited at this time, the clinical significance of this alteration remains unclear.

Labcorp Genetics (formerly Invitae), Labcorp
Classification: Uncertain significance for Dilated cardiomyopathy 1DD. Last evaluated: 2023-05-05. Review status: criteria provided, single submitter. Criteria: Invitae Variant Classification Sherloc (09022015). Collection method: clinical testing. Allele origin: germline.
Comment: In summary, the available evidence is currently insufficient to determine the role of this variant in disease. Therefore, it has been classified as a Variant of Uncertain Significance. Advanced modeling of protein sequence and biophysical properties (such as structural, functional, and spatial information, amino acid conservation, physicochemical variation, residue mobility, and thermodynamic stability) performed at Invitae indicates that this missense variant is not expected to disrupt RBM20 protein function. ClinVar contains an entry for this variant (Variation ID: 1794832). This variant has not been reported in the literature in individuals affected with RBM20-related conditions. This variant is present in population databases (no rsID available, gnomAD 0.007%). This sequence change replaces glutamic acid, which is acidic and polar, with aspartic acid, which is acidic and polar, at codon 898 of the RBM20 protein (p.Glu898Asp).

NM_001134363.3(RBM20):c.2694G>C (p.Glu898Asp)

Gene: RBM20 (RNA binding motif protein 20; plus strand). Cytogenetic location: 10q25.2.
Variant type: single nucleotide variant.
Coding change: c.2694G>C on transcript NM_001134363.3 (MANE Select); coding-DNA position 2694, G replaced by C.
Protein change: p.Glu898Asp; replaces glutamic acid 898 with aspartic acid.
Molecular consequence: missense variant.
Genome position (GRCh38, 1-based): chr10:110,821,313, G>C. VCF-style: chr10-110821313-G-C. GRCh37 (hg19) VCF-style: chr10-112581071-G-C.
Other names: short protein forms E898D.
Identifiers: ClinVar variation 1794832 (VCV001794832.6), dbSNP rs1002843156, ClinGen allele CA378377170.